The following is an entry in ClinVar:

ClinVar aggregate classification (germline): Uncertain significance (1 of 4 stars; one submission).

Allele frequency attached by ClinVar (database versions not stated): gnomAD 0.00001; TOPMed 0.00001.
gnomAD v4.1: 5 of 1,614,000 alleles (0.00031%); highest among the groups gnomAD compares: African/African-American, 0.0013%; no homozygotes.

Submission:

Labcorp Genetics (formerly Invitae), Labcorp
Classification: Uncertain significance. Last evaluated: 2021-09-09. Review status: criteria provided, single submitter. Criteria: Invitae Variant Classification Sherloc (09022015). Collection method: clinical testing. Allele origin: germline.
Comment: This sequence change replaces leucine with arginine at codon 55 of the SLC26A3 protein (p.Leu55Arg). The leucine residue is moderately conserved and there is a moderate physicochemical difference between leucine and arginine. This variant is not present in population databases (ExAC no frequency). This variant has not been reported in the literature in individuals affected with SLC26A3-related conditions. Algorithms developed to predict the effect of missense changes on protein structure and function are either unavailable or do not agree on the potential impact of this missense change (SIFT: "Deleterious"; PolyPhen-2: "Possibly Damaging"; Align-GVGD: "Class C0"). In summary, the available evidence is currently insufficient to determine the role of this variant in disease. Therefore, it has been classified as a Variant of Uncertain Significance.

NM_000111.3(SLC26A3):c.164T>G (p.Leu55Arg)

Gene: SLC26A3 (solute carrier family 26 member 3; minus strand). Cytogenetic location: 7q22.3.
Variant type: single nucleotide variant.
Coding change: c.164T>G on transcript NM_000111.3 (MANE Select); coding-DNA position 164, T replaced by G.
Protein change: p.Leu55Arg; replaces leucine 55 with arginine.
Molecular consequence: missense variant.
Genome position (GRCh38, 1-based): chr7:107,793,849, A>C on the plus strand (T>G on the coding strand, the complement: SLC26A3 is on the minus strand). VCF-style: chr7-107793849-A-C. GRCh37 (hg19) VCF-style: chr7-107434294-A-C.
Other names: short protein forms L55R.
Identifiers: ClinVar variation 1467675 (VCV001467675.3), dbSNP rs1794447959, ClinGen allele CA368854279.